The following is an entry in ClinVar:

NM_001005373.4(LRSAM1):c.1044-9T>C

Gene: LRSAM1 (leucine rich repeat and sterile alpha motif containing 1; plus strand). Cytogenetic location: 9q33.3.
Variant type: single nucleotide variant.
Coding change: c.1044-9T>C on transcript NM_001005373.4 (MANE Select); 9 bases into the intron before coding-DNA position 1044, T replaced by C.
Molecular consequence: intron variant.
Genome position (GRCh38, 1-based): chr9:127,481,174, T>C. VCF-style: chr9-127481174-T-C. GRCh37 (hg19) VCF-style: chr9-130243453-T-C.
Other names: p.?; c.1044-9T>C (NM_138361.5, NM_001384142.1, NM_001384143.1 and 2 more transcripts); c.255-9T>C (NM_001384144.1).
Identifiers: ClinVar variation 365024 (VCV000365024.18), dbSNP rs59501881, ClinGen allele CA5246815.
Genomic context (GRCh38, chr9:127,481,174, plus strand): 5'-AGCTAACGCAGTGAGACAGGAAACAGGCCTGCTGGTGACTGCCAGGACCTTTTATGATTT[T>C]CTCCACAGACAAAAGAAAAGCTCCGAGATTTTGAAATCGCTGGAAAATGAAAGGTAAGTG-3'

ClinVar aggregate classification (germline): Benign. Review status: criteria provided, multiple submitters, no conflicts (2 of 4 stars). 4 submissions from 4 submitters: Benign (4). Last evaluated 2026-01-13.

Conditions:
Charcot-Marie-Tooth disease axonal type 2P. Also called: CHARCOT-MARIE-TOOTH NEUROPATHY, TYPE 2P; Charcot-Marie-Tooth Neuropathy Type 2G; CHARCOT-MARIE-TOOTH DISEASE, AXONAL, TYPE 2G; CMT 2G. Identifiers: Orphanet 300319, Orphanet 99941, MedGen C3280797, MONDO:0013753, OMIM 614436.

Allele frequency attached by ClinVar (database versions not stated): gnomAD exomes 0.00049 and 0.00142; ExAC 0.00184; gnomAD 0.00484 and 0.00523; TOPMed 0.00538; ESP Exome Variant Server 0.00584; 1000 Genomes Project 0.00759; 1000 Genomes Project 30x 0.00812.
gnomAD v4.1: 1,482 of 1,613,804 alleles (0.092%); highest among the groups gnomAD compares: African/African-American, 1.8%; 8 homozygotes.

Submissions (4):

Labcorp Genetics (formerly Invitae), Labcorp
Classification: Benign for Charcot-Marie-Tooth disease axonal type 2P. Last evaluated: 2026-01-13. Review status: criteria provided, single submitter. Criteria: Invitae Variant Classification Sherloc (09022015). Collection method: clinical testing. Allele origin: germline.

Mayo Clinic Laboratories, Mayo Clinic
Classification: Benign. Last evaluated: 2023-06-05. Review status: criteria provided, single submitter. Criteria: ACMG Guidelines, 2015. Collection method: clinical testing. Allele origin: germline. Observed: 3 variant alleles.

Illumina Laboratory Services, Illumina
Classification: Benign for Charcot-Marie-Tooth disease axonal type 2P. Last evaluated: 2018-01-12. Review status: criteria provided, single submitter. Criteria: ICSL Variant Classification Criteria 13 December 2019. Collection method: clinical testing. Allele origin: germline.
Comment: This variant was observed in the ICSL laboratory as part of a predisposition screen in an ostensibly healthy population. It had not been previously curated by ICSL or reported in the Human Gene Mutation Database (HGMD: prior to June 1st, 2018), and was therefore a candidate for classification through an automated scoring system. Utilizing variant allele frequency, disease prevalence and penetrance estimates, and inheritance mode, an automated score was calculated to assess if this variant is too frequent to cause the disease. Based on the score and internal cut-off values, a variant classified as benign is not then subjected to further curation. The score for this variant resulted in a classification of benign for this disease.

GeneDx
Classification: Benign. Last evaluated: 2016-12-27. Review status: criteria provided, single submitter. Criteria: GeneDx Variant Classification (06012015). Collection method: clinical testing. Allele origin: germline. Affected: yes.
Comment: This variant is considered likely benign or benign based on one or more of the following criteria: it is a conservative change, it occurs at a poorly conserved position in the protein, it is predicted to be benign by multiple in silico algorithms, and/or has population frequency not consistent with disease.